The following is an entry in ClinVar:

NM_000051.4(ATM):c.1350A>G (p.Glu450=)

Gene: ATM (ATM serine/threonine kinase; plus strand). Cytogenetic location: 11q22.3.
Variant type: single nucleotide variant.
Coding change: c.1350A>G on transcript NM_000051.4 (MANE Select); coding-DNA position 1350, A replaced by G.
Protein change: p.Glu450=; no amino-acid change (glutamic acid 450 retained).
Molecular consequence: synonymous variant.
Genome position (GRCh38, 1-based): chr11:108,250,815, A>G. VCF-style: chr11-108250815-A-G. GRCh37 (hg19) VCF-style: chr11-108121542-A-G.
Other names: c.1350A>G, p.Glu450= (NM_001351834.2).
Identifiers: ClinVar variation 1698682 (VCV001698682.7), dbSNP rs2135319715, ClinGen allele CA476671936.

ClinVar aggregate classification (germline): Benign/Likely benign. Review status: criteria provided, multiple submitters, no conflicts (2 of 4 stars). 4 submissions from 4 submitters: Benign (1); Likely benign (3). Last evaluated 2024-04-26.

Conditions:
Hereditary cancer-predisposing syndrome. Also called: Neoplastic Syndromes, Hereditary; Hereditary Cancer Syndrome; Tumor predisposition; Hereditary neoplastic syndrome. Identifiers: Orphanet 140162, MedGen C0027672, MeSH D009386, MONDO:0015356.
Ataxia-telangiectasia syndrome (AT). Also called: Ataxia telangiectasia (A-T); Ataxia-telangiectasia, complementation group D; ATAXIA-TELANGIECTASIA, COMPLEMENTATION GROUP A; ATAXIA-TELANGIECTASIA, FRESNO VARIANT; Cerebello-oculocutaneous telangiectasia; Immunodeficiency with ataxia telangiectasia. Identifiers: Orphanet 100, MedGen C0004135, MONDO:0008840, OMIM 208900.
Familial cancer of breast. Also called: Hereditary breast cancer; BREAST CANCER, FAMILIAL; hereditary breast carcinoma. Identifiers: Orphanet 227535, MedGen C0346153, MONDO:0016419, OMIM 114480. Disease mechanism: loss of function.

Submissions (4):

Myriad Genetics, Inc.
Classification: Benign for Familial cancer of breast. Last evaluated: 2024-04-26. Review status: criteria provided, single submitter. Criteria: Myriad Autosomal Dominant, Autosomal Recessive and X-Linked Classification Criteria (2023). Collection method: clinical testing. Allele origin: unknown.
Comment: This variant is considered benign. This variant is a silent/synonymous amino acid change and it is not expected to impact splicing.

Labcorp Genetics (formerly Invitae), Labcorp
Classification: Likely benign for Ataxia-telangiectasia syndrome. Last evaluated: 2023-06-08. Review status: criteria provided, single submitter. Criteria: Invitae Variant Classification Sherloc (09022015). Collection method: clinical testing. Allele origin: germline.

Ambry Genetics
Classification: Likely benign for Hereditary cancer-predisposing syndrome. Last evaluated: 2023-03-02. Review status: criteria provided, single submitter. Criteria: Ambry Variant Classification Scheme 2023. Collection method: clinical testing. Allele origin: germline.

Women's Health and Genetics/Laboratory Corporation of America, LabCorp
Classification: Likely benign. Last evaluated: 2022-06-03. Review status: criteria provided, single submitter. Criteria: LabCorp Variant Classification Summary - May 2015. Collection method: clinical testing. Allele origin: germline.